The following is an entry in ClinVar:

NM_002691.4(POLD1):c.358G>A (p.Gly120Ser)

Gene: POLD1 (DNA polymerase delta 1, catalytic subunit; plus strand). Cytogenetic location: 19q13.33.
Variant type: single nucleotide variant.
Coding change: c.358G>A on transcript NM_002691.4 (MANE Select); coding-DNA position 358, G replaced by A.
Protein change: p.Gly120Ser; replaces glycine 120 with serine.
Molecular consequence: missense variant. On other transcripts: non-coding transcript variant (1).
Genome position (GRCh38, 1-based): chr19:50,401,819, G>A. VCF-style: chr19-50401819-G-A. GRCh37 (hg19) VCF-style: chr19-50905076-G-A.
Other names: c.358G>A, p.Gly120Ser (NM_001256849.1, NM_001308632.1); c.358G>A (NM_002691.2); short protein forms G120S.
Identifiers: ClinVar variation 469345 (VCV000469345.11), dbSNP rs746234949, ClinGen allele CA406972231.
Genomic context (GRCh38, chr19:50,401,819, plus strand): 5'-TTACCCTGTGACCCCACAGGCCCAGCGCAGCCTGTGCCTGGGGGGCCCCCACCATCCCGC[G>A]GCTCCGTGCCTGTGCTCCGCGCCTTCGGGGTCACCGATGAGGGGTTCTCTGTCTGCTGCC-3'
Protein context (NP_002682.2, residues 110-130): PVPGGPPPSR[Gly120Ser]SVPVLRAFGV

ClinVar aggregate classification (germline): Uncertain significance. Review status: criteria provided, multiple submitters, no conflicts (2 of 4 stars). 3 submissions from 3 submitters: Uncertain significance (3). Last evaluated 2025-07-31.

Conditions:
Hereditary cancer-predisposing syndrome. Also called: Neoplastic Syndromes, Hereditary; Hereditary neoplastic syndrome; Tumor predisposition; Hereditary Cancer Syndrome. Identifiers: Orphanet 140162, MedGen C0027672, MeSH D009386, MONDO:0015356.
POLD1-related polyposis and colorectal cancer syndrome (CRCS10). Also called: Colorectal cancer 10; COLORECTAL CANCER, SUSCEPTIBILITY TO, ON CHROMOSOME 19q; Colorectal cancer, susceptibility to, 10. Identifiers: Orphanet 220460, MedGen C2675481, MONDO:0012953, OMIM 612591.

gnomAD v4.1: 8 of 1,613,458 alleles (0.0005%); highest among the groups gnomAD compares: Non-Finnish European, 0.00059%; no homozygotes.

Submissions (3):

Labcorp Genetics (formerly Invitae), Labcorp
Classification: Uncertain significance for POLD1-related polyposis and colorectal cancer syndrome. Last evaluated: 2025-07-31. Review status: criteria provided, single submitter. Criteria: Invitae Variant Classification Sherloc (09022015). Collection method: clinical testing. Allele origin: germline.
Comment: This sequence change replaces glycine, which is neutral and non-polar, with serine, which is neutral and polar, at codon 120 of the POLD1 protein (p.Gly120Ser). This variant is present in population databases (no rsID available, gnomAD 0.0009%). This variant has not been reported in the literature in individuals affected with POLD1-related conditions. ClinVar contains an entry for this variant (Variation ID: 469345). Invitae Evidence Modeling of protein sequence and biophysical properties (such as structural, functional, and spatial information, amino acid conservation, physicochemical variation, residue mobility, and thermodynamic stability) indicates that this missense variant is not expected to disrupt POLD1 protein function with a negative predictive value of 80%. In summary, the available evidence is currently insufficient to determine the role of this variant in disease. Therefore, it has been classified as a Variant of Uncertain Significance.

Ambry Genetics
Classification: Uncertain significance for Hereditary cancer-predisposing syndrome. Last evaluated: 2025-01-15. Review status: criteria provided, single submitter. Criteria: Ambry Variant Classification Scheme 2023. Collection method: clinical testing. Allele origin: germline.
Comment: The p.G120S variant (also known as c.358G>A), located in coding exon 3 of the POLD1 gene, results from a G to A substitution at nucleotide position 358. The glycine at codon 120 is replaced by serine, an amino acid with similar properties. This amino acid position is not well conserved in available vertebrate species. In addition, this alteration is predicted to be tolerated by in silico analysis. Based on the available evidence, the clinical significance of this variant remains unclear.

Quest Diagnostics Nichols Institute San Juan Capistrano
Classification: Uncertain significance. Last evaluated: 2019-05-15. Review status: criteria provided, single submitter. Criteria: Quest Diagnostics criteria. Collection method: clinical testing. Allele origin: germline.